The following is an entry in ClinVar:

ClinVar aggregate classification (germline): Benign/Likely benign. Review status: criteria provided, multiple submitters, no conflicts (2 of 4 stars). 4 submissions from 4 submitters: Benign (1); Likely benign (3). Last evaluated 2024-10-19.

Conditions:
Familial cancer of breast. Also called: hereditary breast carcinoma; BREAST CANCER, FAMILIAL; Hereditary breast cancer. Identifiers: Orphanet 227535, MedGen C0346153, MONDO:0016419, OMIM 114480. Disease mechanism: loss of function.
Fanconi anemia complementation group J. Also called: BRIP1-Related Fanconi Anemia. Identifiers: Orphanet 84, MedGen C1836860, MONDO:0012187, OMIM 609054.
Hereditary cancer-predisposing syndrome. Also called: Hereditary Cancer Syndrome; Hereditary neoplastic syndrome; Neoplastic Syndromes, Hereditary; Tumor predisposition. Identifiers: Orphanet 140162, MedGen C0027672, MeSH D009386, MONDO:0015356.

Submissions (4):

Ambry Genetics
Classification: Likely benign for Hereditary cancer-predisposing syndrome. Last evaluated: 2024-10-19. Review status: criteria provided, single submitter. Criteria: Ambry Variant Classification Scheme 2023. Collection method: clinical testing. Allele origin: germline.

Myriad Genetics, Inc.
Classification: Benign for Familial cancer of breast. Last evaluated: 2024-09-09. Review status: criteria provided, single submitter. Criteria: Myriad Autosomal Dominant, Autosomal Recessive and X-Linked Classification Criteria (2023). Collection method: clinical testing. Allele origin: unknown.
Comment: This variant is considered benign. This variant is a silent/synonymous amino acid change and it is not expected to impact splicing.

Labcorp Genetics (formerly Invitae), Labcorp
Classification: Likely benign for Familial cancer of breast; Fanconi anemia complementation group J. Last evaluated: 2023-11-25. Review status: criteria provided, single submitter. Criteria: Invitae Variant Classification Sherloc (09022015). Collection method: clinical testing. Allele origin: germline.

Color Diagnostics, LLC DBA Color Health
Classification: Likely benign for Hereditary cancer-predisposing syndrome. Last evaluated: 2020-03-16. Review status: criteria provided, single submitter. Criteria: ACMG Guidelines, 2015. Collection method: clinical testing. Allele origin: germline.

NM_032043.3(BRIP1):c.2895A>G (p.Arg965=)

Gene: BRIP1 (BRCA1 interacting DNA helicase 1; minus strand). Cytogenetic location: 17q23.2.
Variant type: single nucleotide variant.
Coding change: c.2895A>G on transcript NM_032043.3 (MANE Select); coding-DNA position 2895, A replaced by G.
Protein change: p.Arg965=; no amino-acid change (arginine 965 retained).
Molecular consequence: synonymous variant.
Genome position (GRCh38, 1-based): chr17:61,685,846, T>C on the plus strand (A>G on the coding strand, the complement: BRIP1 is on the minus strand). VCF-style: chr17-61685846-T-C. GRCh37 (hg19) VCF-style: chr17-59763207-T-C.
Identifiers: ClinVar variation 920939 (VCV000920939.14), dbSNP rs2061351890, ClinGen allele CA501335321.
Genomic context (GRCh38, chr17:61,685,846, plus strand): 5'-TATAATGAAAGACTTCTCTATCAAAGGTAAATGGGAAGAACTTTTCATACTTTTCTCCTT[T>C]CTGGAGATAATGCTACTTGGTAGAGGTGAATTTTTGGTAATAATTTTAGGACACTGTAGT-3'
Protein context (NP_114432.2, residues 955-975): NSPLPSSIIS[Arg965=]KEKNDPVFLE